The following is an entry in ClinVar:

NM_144997.7(FLCN):c.1177-21G>A

Gene: FLCN (folliculin; minus strand). Cytogenetic location: 17p11.2.
Variant type: single nucleotide variant.
Coding change: c.1177-21G>A on transcript NM_144997.7 (MANE Select); 21 bases into the intron before coding-DNA position 1177, G replaced by A.
Molecular consequence: intron variant.
Genome position (GRCh38, 1-based): chr17:17,216,524, C>T on the plus strand (G>A on the coding strand, the complement: FLCN is on the minus strand). VCF-style: chr17-17216524-C-T. GRCh37 (hg19) VCF-style: chr17-17119838-C-T.
Other names: c.1177-21G>A (LRG_325t1, NM_001353231.2, NM_001353230.2); c.1231-21G>A (NM_001353229.2).
Identifiers: ClinVar variation 512872 (VCV000512872.47), dbSNP rs150687840, ClinGen allele CA8416106.

ClinVar aggregate classification (germline): Benign/Likely benign. Review status: criteria provided, multiple submitters, no conflicts (2 of 4 stars). 10 submissions from 10 submitters: Benign (4); Likely benign (6). Last evaluated 2026-09-01.

Conditions:
Birt-Hogg-Dube syndrome. Also called: Birt Hogg Dubé syndrome. Identifiers: Orphanet 122, MedGen C0346010, MONDO:0800444.
Nonpapillary renal cell carcinoma. Identifiers: Orphanet 422526, MedGen CN074294, MONDO:0007763, OMIM 144700.
17p11.2 microduplication syndrome (PTLS). Also called: CHROMOSOME 17p11.2 DUPLICATION SYNDROME; Potocki-Lupski syndrome; Duplication 17p11.2 syndrome; Potocki-Lupski syndrome (dup(17)(p11.2p11.2)). Identifiers: Orphanet 1713, MedGen C2931246, MONDO:0012574, OMIM 610883.
Familial spontaneous pneumothorax (PSP). Identifiers: Orphanet 2903, MedGen C1868193, MONDO:0008259, OMIM 173600.
Colorectal cancer. Also called: Malignant Colorectal Neoplasm; Colorectal cancer, somatic. Identifiers: MedGen C0346629, MONDO:0005575, OMIM 114500.
Hereditary cancer-predisposing syndrome. Also called: Hereditary Cancer Syndrome; Neoplastic Syndromes, Hereditary; Hereditary neoplastic syndrome; Tumor predisposition. Identifiers: Orphanet 140162, MedGen C0027672, MeSH D009386, MONDO:0015356.

Allele frequency attached by ClinVar (database versions not stated): gnomAD exomes 0.00110 and 0.00239; ExAC 0.00243; ESP Exome Variant Server 0.00254; gnomAD 0.00276 and 0.00297; TOPMed 0.00376; 1000 Genomes Project 30x 0.00547; 1000 Genomes Project 0.00559.
gnomAD v4.1: 2,164 of 1,613,394 alleles (0.13%); highest among the groups gnomAD compares: South Asian, 0.63%; 15 homozygotes.

Submissions (10):

CeGaT Center for Human Genetics Tuebingen
Classification: Benign. Last evaluated: 2026-09-01. Review status: criteria provided, single submitter. Criteria: CeGaT Center For Human Genetics Tuebingen Variant Classification Criteria Version 2. Collection method: clinical testing. Allele origin: germline. Affected: yes. Observed: 13 variant alleles.
Comment: FLCN: BS1, BS2

Labcorp Genetics (formerly Invitae), Labcorp
Classification: Benign for Birt-Hogg-Dube syndrome. Last evaluated: 2025-12-08. Review status: criteria provided, single submitter. Criteria: Invitae Variant Classification Sherloc (09022015). Collection method: clinical testing. Allele origin: germline.

Genomic Medicine Center of Excellence, King Faisal Specialist Hospital and Research Centre
Classification: Likely benign. Last evaluated: 2025-08-18. Review status: criteria provided, single submitter. Criteria: ACMG Guidelines, 2015. Collection method: clinical testing. Allele origin: germline.

ARUP Laboratories, Molecular Genetics and Genomics, ARUP Laboratories
Classification: Benign. Last evaluated: 2025-05-06. Review status: criteria provided, single submitter. Criteria: ARUP Molecular Germline Variant Investigation Process 2024. Collection method: clinical testing. Allele origin: germline.

Center for Genomic Medicine, Rigshospitalet, Copenhagen University Hospital
Classification: Likely benign. Last evaluated: 2025-03-04. Review status: criteria provided, single submitter. Criteria: ACMG Guidelines, 2015. Collection method: clinical testing. Allele origin: germline.

Fulgent Genetics
Classification: Likely benign for Colorectal cancer; Birt-Hogg-Dube syndrome 1; Nonpapillary renal cell carcinoma; Familial spontaneous pneumothorax; 17p11.2 microduplication syndrome. Last evaluated: 2022-04-12. Review status: criteria provided, single submitter. Criteria: ACMG Guidelines, 2015. Collection method: clinical testing. Allele origin: unknown.

Sema4
Classification: Benign for Hereditary cancer-predisposing syndrome. Last evaluated: 2020-03-26. Review status: criteria provided, single submitter. Criteria: Sema4 Curation Guidelines. Collection method: curation. Allele origin: germline.

Eurofins Ntd Llc (ga)
Classification: Likely benign. Last evaluated: 2018-03-09. Review status: criteria provided, single submitter. Criteria: EGL ClinVar v180209 classification definitions. Collection method: clinical testing. Allele origin: germline. Observed: 1 variant allele, 1 heterozygote.

GeneDx
Classification: Likely benign. Last evaluated: 2018-01-16. Review status: criteria provided, single submitter. Criteria: GeneDx Variant Classification (06012015). Collection method: clinical testing. Allele origin: germline. Affected: yes.
Comment: This variant is considered likely benign or benign based on one or more of the following criteria: it is a conservative change, it occurs at a poorly conserved position in the protein, it is predicted to be benign by multiple in silico algorithms, and/or has population frequency not consistent with disease.

Breakthrough Genomics
Classification: Likely benign. Review status: criteria provided, single submitter. Criteria: ACMG Guidelines, 2015. Collection method: not provided. Allele origin: germline. Inheritance: Autosomal dominant inheritance. Affected: yes.